The following is an entry in ClinVar:

ClinVar aggregate classification (germline): Uncertain significance. Review status: criteria provided, multiple submitters, no conflicts (2 of 4 stars). 2 submissions from 2 submitters: Uncertain significance (2). Last evaluated 2023-10-03.

Conditions:
Inborn genetic diseases. Identifiers: MedGen C0950123, MeSH D030342.
Hyperphosphatasia with intellectual disability syndrome 5 (GPIBD11). Also called: GLYCOSYLPHOSPHATIDYLINOSITOL BIOSYNTHESIS DEFECT 11. Identifiers: Orphanet 247262, MedGen C4014958, MONDO:0014457, OMIM 616025.

Allele frequency attached by ClinVar (database versions not stated): gnomAD exomes below 0.00001; gnomAD 0.00001; ExAC 0.00002; TOPMed 0.00003; ESP Exome Variant Server 0.00008.
gnomAD v4.1: 4 of 1,614,096 alleles (0.00025%); highest among the groups gnomAD compares: African/African-American, 0.0053%; no homozygotes.

Submissions (2):

Ambry Genetics
Classification: Uncertain significance for Inborn genetic diseases. Last evaluated: 2023-10-03. Review status: criteria provided, single submitter. Criteria: Ambry Variant Classification Scheme 2023. Collection method: clinical testing. Allele origin: germline.

Labcorp Genetics (formerly Invitae), Labcorp
Classification: Uncertain significance for Hyperphosphatasia with intellectual disability syndrome 5. Last evaluated: 2022-02-09. Review status: criteria provided, single submitter. Criteria: Invitae Variant Classification Sherloc (09022015). Collection method: clinical testing. Allele origin: germline.
Comment: This sequence change replaces serine, which is neutral and polar, with alanine, which is neutral and non-polar, at codon 205 of the PIGW protein (p.Ser205Ala). This variant is present in population databases (rs139783834, gnomAD 0.007%). This variant has not been reported in the literature in individuals affected with PIGW-related conditions. Algorithms developed to predict the effect of missense changes on protein structure and function (SIFT, PolyPhen-2, Align-GVGD) all suggest that this variant is likely to be tolerated. In summary, the available evidence is currently insufficient to determine the role of this variant in disease. Therefore, it has been classified as a Variant of Uncertain Significance.

NM_001346754.2(PIGW):c.613T>G (p.Ser205Ala)

Genes: MYO19 (myosin XIX; minus strand), PIGW (phosphatidylinositol glycan anchor biosynthesis class W; plus strand). Cytogenetic location: 17q12.
Variant type: single nucleotide variant.
Coding change: c.613T>G on transcript NM_001346754.2 (MANE Select); coding-DNA position 613, T replaced by G.
Protein change: p.Ser205Ala; replaces serine 205 with alanine.
Molecular consequence: missense variant.
Genome position (GRCh38, 1-based): chr17:36,537,714, T>G. VCF-style: chr17-36537714-T-G. GRCh37 (hg19) VCF-style: chr17-34893563-T-G.
Other names: c.613T>G, p.Ser205Ala (NM_001346755.2, NM_178517.5); c.613T>G (NM_178517.3); short protein forms S205A.
Identifiers: ClinVar variation 1914763 (VCV001914763.6), dbSNP rs139783834, ClinGen allele CA290116109.